The following is an entry in ClinVar:

NM_018993.4(RIN2):c.2048C>T (p.Thr683Met)

Gene: RIN2 (Ras and Rab interactor 2; plus strand). Cytogenetic location: 20p11.23.
Variant type: single nucleotide variant.
Coding change: c.2048C>T on transcript NM_018993.4 (MANE Select); coding-DNA position 2048, C replaced by T.
Protein change: p.Thr683Met; replaces threonine 683 with methionine.
Molecular consequence: missense variant.
Genome position (GRCh38, 1-based): chr20:19,990,291, C>T. VCF-style: chr20-19990291-C-T. GRCh37 (hg19) VCF-style: chr20-19970935-C-T.
Other names: c.2048C>T (NM_018993.3); c.2195C>T, p.Thr732Met (NM_001242581.2); c.1430C>T, p.Thr477Met (NM_001378238.1); short protein forms T683M, T477M, T732M.
Identifiers: ClinVar variation 2072221 (VCV002072221.3), dbSNP rs765984437, ClinGen allele CA9780187.

ClinVar aggregate classification (germline): Uncertain significance. Review status: criteria provided, multiple submitters, no conflicts (2 of 4 stars). 2 submissions from 2 submitters: Uncertain significance (2). Last evaluated 2025-07-29.

Allele frequency attached by ClinVar (database versions not stated): gnomAD exomes below 0.00001; gnomAD 0.00001; TOPMed 0.00001; ExAC 0.00002.
gnomAD v4.1: 8 of 1,613,216 alleles (0.0005%); highest among the groups gnomAD compares: South Asian, 0.0033%; no homozygotes.

Submissions (2):

GeneDx
Classification: Uncertain significance. Last evaluated: 2025-07-29. Review status: criteria provided, single submitter. Criteria: GeneDx Variant Classification Process June 2021. Collection method: clinical testing. Allele origin: germline. Affected: yes.
Comment: Not observed at significant frequency in large population cohorts (gnomAD); In silico analysis supports that this missense variant has a deleterious effect on protein structure/function; Has not been previously published as pathogenic or benign to our knowledge

Labcorp Genetics (formerly Invitae), Labcorp
Classification: Uncertain significance. Last evaluated: 2022-09-01. Review status: criteria provided, single submitter. Criteria: Invitae Variant Classification Sherloc (09022015). Collection method: clinical testing. Allele origin: germline.
Comment: Algorithms developed to predict the effect of missense changes on protein structure and function are either unavailable or do not agree on the potential impact of this missense change (SIFT: "Deleterious"; PolyPhen-2: "Not Available"; Align-GVGD: "Class C15"). In summary, the available evidence is currently insufficient to determine the role of this variant in disease. Therefore, it has been classified as a Variant of Uncertain Significance. This variant has not been reported in the literature in individuals affected with RIN2-related conditions. This variant is present in population databases (rs765984437, gnomAD 0.003%). This sequence change replaces threonine, which is neutral and polar, with methionine, which is neutral and non-polar, at codon 683 of the RIN2 protein (p.Thr683Met).